The following is an entry in ClinVar:

ClinVar aggregate classification (germline): Uncertain significance (1 of 4 stars; one submission).

Conditions:
ALG12-congenital disorder of glycosylation (CDG1G). Also called: CDG Ig; Congenital disorder of glycosylation, type Ig; ALG12-CDG. Identifiers: Orphanet 79324, MedGen C2931001, MONDO:0011783, OMIM 607143.

Allele frequency attached by ClinVar (database versions not stated): gnomAD exomes below 0.00001; ExAC 0.00001; gnomAD 0.00001.
gnomAD v4.1: 25 of 1,614,186 alleles (0.0015%); highest among the groups gnomAD compares: Non-Finnish European, 0.002%; no homozygotes.

Submission:

Labcorp Genetics (formerly Invitae), Labcorp
Classification: Uncertain significance for ALG12-congenital disorder of glycosylation. Last evaluated: 2024-02-24. Review status: criteria provided, single submitter. Criteria: Invitae Variant Classification Sherloc (09022015). Collection method: clinical testing. Allele origin: germline.
Comment: This sequence change replaces asparagine, which is neutral and polar, with lysine, which is basic and polar, at codon 463 of the ALG12 protein (p.Asn463Lys). This variant is present in population databases (rs745510179, gnomAD 0.0009%). This variant has not been reported in the literature in individuals affected with ALG12-related conditions. ClinVar contains an entry for this variant (Variation ID: 1363711). An algorithm developed to predict the effect of missense changes on protein structure and function (PolyPhen-2) suggests that this variant¬†is likely to be tolerated. In summary, the available evidence is currently insufficient to determine the role of this variant in disease. Therefore, it has been classified as a Variant of Uncertain Significance.

NM_024105.4(ALG12):c.1389C>A (p.Asn463Lys)

Gene: ALG12 (ALG12 alpha-1,6-mannosyltransferase; minus strand). Cytogenetic location: 22q13.33.
Variant type: single nucleotide variant.
Coding change: c.1389C>A on transcript NM_024105.4 (MANE Select); coding-DNA position 1389, C replaced by A.
Protein change: p.Asn463Lys; replaces asparagine 463 with lysine.
Molecular consequence: missense variant.
Genome position (GRCh38, 1-based): chr22:49,903,916, G>T on the plus strand (C>A on the coding strand, the complement: ALG12 is on the minus strand). VCF-style: chr22-49903916-G-T. GRCh37 (hg19) VCF-style: chr22-50297564-G-T.
Other names: short protein forms N463K.
Identifiers: ClinVar variation 1363711 (VCV001363711.6), dbSNP rs745510179, ClinGen allele CA10300228.